The following is an entry in ClinVar:

ClinVar aggregate classification (germline): Pathogenic. Review status: criteria provided, multiple submitters, no conflicts (2 of 4 stars). 2 submissions from 2 submitters: Pathogenic (2). Last evaluated 2022-04-01.

Conditions:
Autosomal recessive nonsyndromic hearing loss 2. Also called: NEUROSENSORY NONSYNDROMIC RECESSIVE DEAFNESS 2; DEAFNESS, AUTOSOMAL RECESSIVE 2. Identifiers: Orphanet 90636, MedGen C1838701, MONDO:0010807, OMIM 600060.

Submissions (2):

Labcorp Genetics (formerly Invitae), Labcorp
Classification: Pathogenic. Last evaluated: 2022-04-01. Review status: criteria provided, single submitter. Criteria: Invitae Variant Classification Sherloc (09022015). Collection method: clinical testing. Allele origin: germline.
Comment: This sequence change creates a premature translational stop signal (p.Thr62Argfs*9) in the MYO7A gene. It is expected to result in an absent or disrupted protein product. Loss-of-function variants in MYO7A are known to be pathogenic (PMID: 8900236, 25404053). This variant is not present in population databases (gnomAD no frequency). This premature translational stop signal has been observed in individual(s) with MYO7A-related conditions (PMID: 27460420, 31479088). ClinVar contains an entry for this variant (Variation ID: 802701). For these reasons, this variant has been classified as Pathogenic.

Mendelics
Classification: Pathogenic for Autosomal recessive nonsyndromic hearing loss 2. Last evaluated: 2019-05-28. Review status: criteria provided, single submitter. Criteria: Mendelics Assertion Criteria 2017. Collection method: clinical testing. Allele origin: unknown.

Literature cited by the submitters: PubMed 8900236 (cited by Labcorp Genetics (formerly Invitae), Labcorp); PubMed 25404053 (cited by Labcorp Genetics (formerly Invitae), Labcorp); PubMed 27460420 (cited by Labcorp Genetics (formerly Invitae), Labcorp); PubMed 31479088 (cited by Labcorp Genetics (formerly Invitae), Labcorp).

NM_000260.4(MYO7A):c.183del (p.Thr62fs)

Gene: MYO7A (myosin VIIA; plus strand). Cytogenetic location: 11q13.5.
Variant type: Deletion.
Coding change: c.183del on transcript NM_000260.4 (MANE Select); coding-DNA position 183, one base deleted (C; older notation c.183delC).
Protein change: p.Thr62fs; shifts the reading frame from threonine 62.
Molecular consequence: frameshift variant.
Genome position (GRCh38, 1-based): chr11:77,147,848, C deleted; the last of 4 consecutive C bases (chr11:77,147,845-77,147,848); deleting any one gives the same sequence. VCF-style (leftmost placement, unchanged base first): chr11-77147844-AC-A. GRCh37 (hg19) VCF-style: chr11-76858890-AC-A.
Other names: c.183del, p.Thr62fs (NM_001127180.2); c.150del, p.Thr51fs (NM_001369365.1); short protein forms T62fs, T51fs.
Identifiers: ClinVar variation 802701 (VCV000802701.5), dbSNP rs1446588093, ClinGen allele CA680357502.